The following is an entry in ClinVar:

NM_016151.4(TAOK2):c.1189C>T (p.Arg397Trp)

Gene: TAOK2 (TAO kinase 2; plus strand). Cytogenetic location: 16p11.2.
Variant type: single nucleotide variant.
Coding change: c.1189C>T on transcript NM_016151.4 (MANE Select); coding-DNA position 1189, C replaced by T.
Protein change: p.Arg397Trp; replaces arginine 397 with tryptophan.
Molecular consequence: missense variant.
Genome position (GRCh38, 1-based): chr16:29,983,261, C>T. VCF-style: chr16-29983261-C-T. GRCh37 (hg19) VCF-style: chr16-29994582-C-T.
Other names: c.1189C>T, p.Arg397Trp (NM_001252043.2, NM_004783.4); short protein forms R397W.
Identifiers: ClinVar variation 4702387 (VCV004702387.1).
Genomic context (GRCh38, chr16:29,983,261, plus strand): 5'-AACGAGGAAGAGGAGGAGGAGGAGGAGGAAGAGGAGGAGGAGGAAGAAGGCCCTGAAGCC[C>T]GGGAGATGGCCATGATGCAGGAGGGGGAGCACACAGTCACCTCTCACAGCTCCATTATCC-3'
Protein context (NP_057235.2, residues 387-407): EEEEEEGPEA[Arg397Trp]EMAMMQEGEH

ClinVar aggregate classification (germline): Uncertain significance (1 of 4 stars; one submission).

gnomAD v4.1: 11 of 1,608,112 alleles (0.00068%); highest among the groups gnomAD compares: African/African-American, 0.0013%; no homozygotes.

Submission:

Labcorp Genetics (formerly Invitae), Labcorp
Classification: Uncertain significance. Last evaluated: 2025-06-22. Review status: criteria provided, single submitter. Criteria: Invitae Variant Classification Sherloc (09022015). Collection method: clinical testing. Allele origin: germline.
Comment: This sequence change replaces arginine, which is basic and polar, with tryptophan, which is neutral and slightly polar, at codon 397 of the TAOK2 protein (p.Arg397Trp). This variant is not present in population databases (gnomAD no frequency). This variant has not been reported in the literature in individuals affected with TAOK2-related conditions. An algorithm developed to predict the effect of missense changes on protein structure and function (PolyPhen-2) suggests that this variant is likely to be disruptive. In summary, the available evidence is currently insufficient to determine the role of this variant in disease. Therefore, it has been classified as a Variant of Uncertain Significance.